The following is an entry in ClinVar:

NM_000273.3(GPR143):c.361-2_361-1insTCAAGGCT

Gene: GPR143 (G protein-coupled receptor 143; minus strand). Cytogenetic location: Xp22.2.
Variant type: Insertion.
Coding change: c.361-2_361-1insTCAAGGCT on transcript NM_000273.3 (MANE Select); the canonical splice acceptor site of the intron before coding-DNA position 361, TCAAGGCT inserted.
Molecular consequence: splice acceptor variant.
Genome position: GRCh38 VCF-style: chrX-9759427-C-CAGCCTTGA. GRCh37 (hg19) VCF-style: chrX-9727467-C-CAGCCTTGA.
Identifiers: ClinVar variation 2811564 (VCV002811564.3), dbSNP rs2518637181, ClinGen allele CA2739268072.

ClinVar aggregate classification (germline): Likely pathogenic (1 of 4 stars; one submission).

Submission:

Labcorp Genetics (formerly Invitae), Labcorp
Classification: Likely pathogenic. Last evaluated: 2022-11-02. Review status: criteria provided, single submitter. Criteria: Invitae Variant Classification Sherloc (09022015). Collection method: clinical testing. Allele origin: germline.
Comment: This variant is not present in population databases (gnomAD no frequency). In summary, the currently available evidence indicates that the variant is pathogenic, but additional data are needed to prove that conclusively. Therefore, this variant has been classified as Likely Pathogenic. Algorithms developed to predict the effect of sequence changes on RNA splicing suggest that this variant may disrupt the consensus splice site. This variant has not been reported in the literature in individuals affected with GPR143-related conditions. This sequence change affects a splice site in intron 2 of the GPR143 gene. It is expected to disrupt RNA splicing. Variants that disrupt the donor or acceptor splice site typically lead to a loss of protein function (PMID: 16199547), and loss-of-function variants in GPR143 are known to be pathogenic (PMID: 15965158, 18978956, 19390656, 21541274, 26160353, 28211458).

Literature cited by the submitters: PubMed 16199547; PubMed 15965158; PubMed 18978956; PubMed 19390656; PubMed 21541274; PubMed 26160353; PubMed 28211458.